The following is an entry in ClinVar:

ClinVar aggregate classification (germline): Uncertain significance. Review status: criteria provided, multiple submitters, no conflicts (2 of 4 stars). 2 submissions from 2 submitters: Uncertain significance (2). Last evaluated 2024-11-23.

Allele frequency attached by ClinVar (database versions not stated): TOPMed 0.00001; gnomAD exomes 0.00007; gnomAD 0.00008; ExAC 0.00022.

Submissions (2):

Blueprint Genetics
Classification: Uncertain significance. Last evaluated: 2024-11-23. Review status: criteria provided, single submitter. Criteria: ACMG Guidelines, 2015. Collection method: clinical testing. Allele origin: germline.

Labcorp Genetics (formerly Invitae), Labcorp
Classification: Uncertain significance. Last evaluated: 2024-01-26. Review status: criteria provided, single submitter. Criteria: Invitae Variant Classification Sherloc (09022015). Collection method: clinical testing. Allele origin: germline.
Comment: This sequence change replaces valine, which is neutral and non-polar, with alanine, which is neutral and non-polar, at codon 160 of the IL23R protein (p.Val160Ala). This variant is present in population databases (rs201902670, gnomAD 0.1%), and has an allele count higher than expected for a pathogenic variant. This variant has not been reported in the literature in individuals affected with IL23R-related conditions. An algorithm developed to predict the effect of missense changes on protein structure and function (PolyPhen-2) suggests that this variant is likely to be disruptive. Experimental studies are conflicting or provide insufficient evidence to determine the effect of this variant on IL23R function (PMID: 30578351). In summary, the available evidence is currently insufficient to determine the role of this variant in disease. Therefore, it has been classified as a Variant of Uncertain Significance.

Literature cited by the submitters: PubMed 30578351 (cited by Labcorp Genetics (formerly Invitae), Labcorp).

NM_144701.3(IL23R):c.479T>C (p.Val160Ala)

Gene: IL23R (interleukin 23 receptor; plus strand). Cytogenetic location: 1p31.3.
Variant type: single nucleotide variant.
Coding change: c.479T>C on transcript NM_144701.3 (MANE Select); coding-DNA position 479, T replaced by C.
Protein change: p.Val160Ala; replaces valine 160 with alanine.
Molecular consequence: missense variant.
Genome position (GRCh38, 1-based): chr1:67,182,947, T>C. VCF-style: chr1-67182947-T-C. GRCh37 (hg19) VCF-style: chr1-67648630-T-C.
Other names: short protein forms V160A.
Identifiers: ClinVar variation 3014522 (VCV003014522.4), dbSNP rs201902670, ClinGen allele CA899719.
Genomic context (GRCh38, chr1:67,182,947, plus strand): 5'-GCAACATGACTTGCACCTGGAATGCTGGGAAGCTCACCTACATAGACACAAAATACGTGG[T>C]ACATGTGAAGAGGTAGGTCACTTCCTCACGGCTTCATATAAGCAGTTCCACCCCAGTTCA-3'
Protein context (NP_653302.2, residues 150-170): KLTYIDTKYV[Val160Ala]HVKSLETEEE